The following is an entry in ClinVar:

ClinVar aggregate classification (germline): Uncertain significance (1 of 4 stars; one submission).

Allele frequency attached by ClinVar (database versions not stated): TOPMed below 0.00001.
gnomAD v4.1: 16 of 1,614,082 alleles (0.00099%); highest among the groups gnomAD compares: African/African-American, 0.0013%; no homozygotes.

Submission:

GeneDx
Classification: Uncertain significance. Last evaluated: 2019-06-03. Review status: criteria provided, single submitter. Criteria: GeneDx Variant Classification Process June 2021. Collection method: clinical testing. Allele origin: germline. Affected: yes.
Comment: Not observed in large population cohorts (Lek et al., 2016); In silico analysis, which includes protein predictors and evolutionary conservation, supports a deleterious effect; Has not been previously published as pathogenic or benign to our knowledge

NM_017837.4(PIGV):c.1445G>C (p.Gly482Ala)

Gene: PIGV (phosphatidylinositol glycan anchor biosynthesis class V; plus strand). Cytogenetic location: 1p36.11.
Variant type: single nucleotide variant.
Coding change: c.1445G>C on transcript NM_017837.4 (MANE Select); coding-DNA position 1445, G replaced by C.
Protein change: p.Gly482Ala; replaces glycine 482 with alanine.
Molecular consequence: missense variant. On other transcripts: non-coding transcript variant (2).
Genome position (GRCh38, 1-based): chr1:26,797,807, G>C. VCF-style: chr1-26797807-G-C. GRCh37 (hg19) VCF-style: chr1-27124298-G-C.
Other names: c.1445G>C, p.Gly482Ala (NM_001202554.2, NM_001374478.1, NM_001374480.1 and 2 more transcripts); c.1064G>C, p.Gly355Ala (NM_001374483.1); c.818G>C, p.Gly273Ala (NM_001374484.1, NM_001374485.1); c.323G>C, p.Gly108Ala (NM_001374486.1); short protein forms G108A, G273A, G355A, G482A.
Identifiers: ClinVar variation 1302117 (VCV001302117.2), dbSNP rs1204745319, ClinGen allele CA339204706.
Genomic context (GRCh38, chr1:26,797,807, plus strand): 5'-AAACCTGTTCTCCAGTCACACGATACATTCTAGGCTACTTCCTGACTTACTGGCTCCTGG[G>C]ACTACTCCTACATTGCAACTTCCTGCCTTGGACATGACCTGGACTCTCCAGGGACAGGTT-3'
Protein context (NP_060307.2, residues 472-492): LGYFLTYWLL[Gly482Ala]LLLHCNFLPW